The following is an entry in ClinVar:

NM_000497.4(CYP11B1):c.457G>A (p.Ala153Thr)

Genes: CYP11B1 (cytochrome P450 family 11 subfamily B member 1; minus strand), LOC106799833 (CYP11B1 recombination region; plus strand). Cytogenetic location: 8q24.3.
Variant type: single nucleotide variant.
Coding change: c.457G>A on transcript NM_000497.4 (MANE Select); coding-DNA position 457, G replaced by A.
Protein change: p.Ala153Thr; replaces alanine 153 with threonine.
Molecular consequence: missense variant.
Genome position (GRCh38, 1-based): chr8:142,877,161, C>T on the plus strand (G>A on the coding strand, the complement: CYP11B1 is on the minus strand). VCF-style: chr8-142877161-C-T. GRCh37 (hg19) VCF-style: chr8-143958577-C-T.
Other names: c.457G>A, p.Ala153Thr (NM_001026213.1); short protein forms A153T.
Identifiers: ClinVar variation 1338281 (VCV001338281.9), dbSNP rs200151403, ClinGen allele CA4905431.
Genomic context (GRCh38, chr8:142,877,161, plus strand): 5'-TCAGGGCCTGGGAGAAGTCCCTGGCCACTGCATCCACCATCGGGAGGAACCTCTGCACAG[C>T]GTTGGGCGACAGCACTTCTGGATTCAGCCGCAATCGGTTGAAGCGCCATTCAGGCCCATT-3'
Protein context (NP_000488.3, residues 143-163): RLNPEVLSPN[Ala153Thr]VQRFLPMVDA

ClinVar aggregate classification (germline): Uncertain significance. Review status: criteria provided, multiple submitters, no conflicts (2 of 4 stars). 5 submissions from 5 submitters: Uncertain significance (5). Last evaluated 2024-12-14.

Conditions:
Inborn genetic diseases. Identifiers: MedGen C0950123, MeSH D030342.
Deficiency of steroid 11-beta-monooxygenase (CYP11B1). Also called: STEROID 11-BETA-HYDROXYLASE DEFICIENCY; ADRENAL HYPERPLASIA, CONGENITAL, DUE TO STEROID 11-BETA-HYDROXYLASE DEFICIENCY; Congenital adrenal hyperplasia due to 11-beta-hydroxylase deficiency; ADRENAL HYPERPLASIA IV; 11-BETA-HYDROXYLASE DEFICIENCY; P450C11B1 DEFICIENCY. Identifiers: Orphanet 90795, MedGen C0268292, MONDO:0008729, OMIM 202010. Disease mechanism: loss of function.
Glucocorticoid-remediable aldosteronism. Also called: FH I; GLUCOCORTICOID-SUPPRESSIBLE HYPERALDOSTERONISM; Hyperaldosteronism, familial, type I; ACTH-DEPENDENT HYPERALDOSTERONISM SYNDROME; ALDOSTERONISM, SENSITIVE TO DEXAMETHASONE. Identifiers: Orphanet 403, MedGen C3838731, MONDO:0007080, OMIM 103900.

Allele frequency attached by ClinVar (database versions not stated): gnomAD exomes 0.00002; ExAC 0.00004; TOPMed 0.00004; gnomAD 0.00005; ESP Exome Variant Server 0.00008; 1000 Genomes Project 0.00020; 1000 Genomes Project 30x 0.00031.

Submissions (5):

Labcorp Genetics (formerly Invitae), Labcorp
Classification: Uncertain significance. Last evaluated: 2024-12-14. Review status: criteria provided, single submitter. Criteria: Invitae Variant Classification Sherloc (09022015). Collection method: clinical testing. Allele origin: germline.
Comment: This sequence change replaces alanine, which is neutral and non-polar, with threonine, which is neutral and polar, at codon 153 of the CYP11B1 protein (p.Ala153Thr). This variant is present in population databases (rs200151403, gnomAD 0.01%). This variant has not been reported in the literature in individuals affected with CYP11B1-related conditions. ClinVar contains an entry for this variant (Variation ID: 1338281). Invitae Evidence Modeling of protein sequence and biophysical properties (such as structural, functional, and spatial information, amino acid conservation, physicochemical variation, residue mobility, and thermodynamic stability) indicates that this missense variant is not expected to disrupt CYP11B1 protein function with a negative predictive value of 95%. In summary, the available evidence is currently insufficient to determine the role of this variant in disease. Therefore, it has been classified as a Variant of Uncertain Significance.

Ambry Genetics
Classification: Uncertain significance for Inborn genetic diseases. Last evaluated: 2024-11-15. Review status: criteria provided, single submitter. Criteria: Ambry Variant Classification Scheme 2023. Collection method: clinical testing. Allele origin: germline.

Women's Health and Genetics/Laboratory Corporation of America, LabCorp
Classification: Uncertain significance. Last evaluated: 2023-07-24. Review status: criteria provided, single submitter. Criteria: LabCorp Variant Classification Summary - May 2015. Collection method: clinical testing. Allele origin: germline.

Fulgent Genetics
Classification: Uncertain significance for Glucocorticoid-remediable aldosteronism; Deficiency of steroid 11-beta-monooxygenase. Last evaluated: 2022-04-13. Review status: criteria provided, single submitter. Criteria: ACMG Guidelines, 2015. Collection method: clinical testing. Allele origin: unknown.

Genetic Services Laboratory, University of Chicago
Classification: Uncertain significance. Last evaluated: 2017-09-18. Review status: criteria provided, single submitter. Criteria: ACMG Guidelines, 2015. Collection method: clinical testing. Allele origin: germline. Affected: no.